The following is an entry in ClinVar:

NM_002528.7(NTHL1):c.639G>A (p.Met213Ile)

Gene: NTHL1 (nth like DNA glycosylase 1; minus strand). Cytogenetic location: 16p13.3.
Variant type: single nucleotide variant.
Coding change: c.639G>A on transcript NM_002528.7 (MANE Select); coding-DNA position 639, G replaced by A.
Protein change: p.Met213Ile; replaces methionine 213 with isoleucine.
Molecular consequence: missense variant.
Genome position (GRCh38, 1-based): chr16:2,043,613, C>T on the plus strand (G>A on the coding strand, the complement: NTHL1 is on the minus strand). VCF-style: chr16-2043613-C-T. GRCh37 (hg19) VCF-style: chr16-2093614-C-T.
Other names: c.468G>A, p.Met156Ile (NM_001318193.2); c.309G>A, p.Met103Ile (NM_001318194.2); short protein forms M213I, M103I, M156I.
Identifiers: ClinVar variation 1754631 (VCV001754631.7), dbSNP rs2084298281, ClinGen allele CA394291210.

ClinVar aggregate classification (germline): Uncertain significance. Review status: criteria provided, multiple submitters, no conflicts (2 of 4 stars). 3 submissions from 3 submitters: Uncertain significance (3). Last evaluated 2024-06-06.

Conditions:
Familial adenomatous polyposis 3. Also called: NTHL1-related attenuated familial adenomatous polyposis; NTHL1-Related Adenomatous Polyposis and Colorectal Cancer; NTHL1 Tumor Syndrome; NTHL1-associated polyposis. Identifiers: Orphanet 220460, Orphanet 454840, MedGen C4225157, MONDO:0014630, OMIM 616415.
Hereditary cancer-predisposing syndrome. Also called: Hereditary Cancer Syndrome; Hereditary neoplastic syndrome; Neoplastic Syndromes, Hereditary; Tumor predisposition. Identifiers: Orphanet 140162, MedGen C0027672, MeSH D009386, MONDO:0015356.

Allele frequency attached by ClinVar (database versions not stated): TOPMed below 0.00001.

Submissions (3):

Ambry Genetics
Classification: Uncertain significance for Hereditary cancer-predisposing syndrome. Last evaluated: 2024-06-06. Review status: criteria provided, single submitter. Criteria: Ambry Variant Classification Scheme 2023. Collection method: clinical testing. Allele origin: germline.
Comment: The p.M221I variant (also known as c.663G>A), located in coding exon 4 of the NTHL1 gene, results from a G to A substitution at nucleotide position 663. The methionine at codon 221 is replaced by isoleucine, an amino acid with highly similar properties. This amino acid position is highly conserved in available vertebrate species. In addition, the in silico prediction for this alteration is inconclusive. Since supporting evidence is limited at this time, the clinical significance of this alteration remains unclear.

Labcorp Genetics (formerly Invitae), Labcorp
Classification: Uncertain significance. Last evaluated: 2024-05-21. Review status: criteria provided, single submitter. Criteria: Invitae Variant Classification Sherloc (09022015). Collection method: clinical testing. Allele origin: germline.
Comment: This sequence change replaces methionine, which is neutral and non-polar, with isoleucine, which is neutral and non-polar, at codon 221 of the NTHL1 protein (p.Met221Ile). This variant is not present in population databases (gnomAD no frequency). This variant has not been reported in the literature in individuals affected with NTHL1-related conditions. ClinVar contains an entry for this variant (Variation ID: 1754631). An algorithm developed to predict the effect of missense changes on protein structure and function (PolyPhen-2) suggests that this variant is likely to be disruptive. In summary, the available evidence is currently insufficient to determine the role of this variant in disease. Therefore, it has been classified as a Variant of Uncertain Significance.

Baylor Genetics
Classification: Uncertain significance for Familial adenomatous polyposis 3. Last evaluated: 2023-05-18. Review status: criteria provided, single submitter. Criteria: ACMG Guidelines, 2015. Collection method: clinical testing. Allele origin: unknown.